The following is an entry in ClinVar:

NM_000256.3(MYBPC3):c.3643T>C (p.Phe1215Leu)

Gene: MYBPC3 (myosin binding protein C3; minus strand). Cytogenetic location: 11p11.2.
Variant type: single nucleotide variant.
Coding change: c.3643T>C on transcript NM_000256.3 (MANE Select); coding-DNA position 3643, T replaced by C.
Protein change: p.Phe1215Leu; replaces phenylalanine 1215 with leucine.
Molecular consequence: missense variant.
Genome position (GRCh38, 1-based): chr11:47,332,243, A>G on the plus strand (T>C on the coding strand, the complement: MYBPC3 is on the minus strand). VCF-style: chr11-47332243-A-G. GRCh37 (hg19) VCF-style: chr11-47353794-A-G.
Other names: short protein forms F1215L.
Identifiers: ClinVar variation 3672624 (VCV003672624.2).

ClinVar aggregate classification (germline): Uncertain significance (1 of 4 stars; one submission).

Conditions:
Hypertrophic cardiomyopathy. Also called: HYPERTROPHIC MYOCARDIOPATHY. Identifiers: Orphanet 217569, MedGen C0007194, MeSH D002312, MONDO:0005045, HP:0001639.

gnomAD v4.1: 3 of 1,613,756 alleles (0.00019%); highest among the groups gnomAD compares: Non-Finnish European, 0.00025%; no homozygotes.

Submission:

Labcorp Genetics (formerly Invitae), Labcorp
Classification: Uncertain significance for Hypertrophic cardiomyopathy. Last evaluated: 2024-08-12. Review status: criteria provided, single submitter. Criteria: Invitae Variant Classification Sherloc (09022015). Collection method: clinical testing. Allele origin: germline.
Comment: This sequence change replaces phenylalanine, which is neutral and non-polar, with leucine, which is neutral and non-polar, at codon 1215 of the MYBPC3 protein (p.Phe1215Leu). This variant is not present in population databases (gnomAD no frequency). This variant has not been reported in the literature in individuals affected with MYBPC3-related conditions. An algorithm developed to predict the effect of missense changes on protein structure and function outputs the following: PolyPhen-2: "Benign". The leucine amino acid residue is found in multiple mammalian species, which suggests that this missense change does not adversely affect protein function. In summary, the available evidence is currently insufficient to determine the role of this variant in disease. Therefore, it has been classified as a Variant of Uncertain Significance.